The following is an entry in ClinVar:

NM_145200.5(CABP4):c.337G>A (p.Gly113Arg)

Gene: CABP4 (calcium binding protein 4; plus strand). Cytogenetic location: 11q13.2.
Variant type: single nucleotide variant.
Coding change: c.337G>A on transcript NM_145200.5 (MANE Select); coding-DNA position 337, G replaced by A.
Protein change: p.Gly113Arg; replaces glycine 113 with arginine.
Molecular consequence: missense variant. On other transcripts: 5 prime UTR variant (3), non-coding transcript variant (1).
Genome position (GRCh38, 1-based): chr11:67,455,760, G>A. VCF-style: chr11-67455760-G-A. GRCh37 (hg19) VCF-style: chr11-67223231-G-A.
Other names: c.-47G>A (NM_001300895.3); c.-61G>A (NM_001300896.3, NM_001379183.1); short protein forms G113R.
Identifiers: ClinVar variation 1435896 (VCV001435896.7), dbSNP rs984831382, ClinGen allele CA224143318.
Genomic context (GRCh38, chr11:67,455,760, plus strand): 5'-TCTCGCCAGTCCCACCGACATCGTCCTGACTCCCTGCACGACGCTGCTCAGAGGACATAC[G>A]GGCCCCTGCTCAATCGAGTCTTCGGGAAGGTTAGGTGGGACCTGGATTGGGCTGGGGGTC-3'
Protein context (NP_660201.1, residues 103-123): SLHDAAQRTY[Gly113Arg]PLLNRVFGKD

ClinVar aggregate classification (germline): Uncertain significance. Review status: criteria provided, multiple submitters, no conflicts (2 of 4 stars). 2 submissions from 2 submitters: Uncertain significance (2). Last evaluated 2022-11-01.

Allele frequency attached by ClinVar (database versions not stated): gnomAD 0.00001; TOPMed 0.00001.
gnomAD v4.1: 15 of 1,590,208 alleles (0.00094%); highest among the groups gnomAD compares: Admixed American, 0.0071%; no homozygotes.

Submissions (2):

Blueprint Genetics
Classification: Uncertain significance. Last evaluated: 2022-11-01. Review status: criteria provided, single submitter. Criteria: ACMG Guidelines, 2015. Collection method: clinical testing. Allele origin: germline.

Labcorp Genetics (formerly Invitae), Labcorp
Classification: Uncertain significance. Last evaluated: 2022-06-04. Review status: criteria provided, single submitter. Criteria: Invitae Variant Classification Sherloc (09022015). Collection method: clinical testing. Allele origin: germline.
Comment: This sequence change replaces glycine, which is neutral and non-polar, with arginine, which is basic and polar, at codon 113 of the CABP4 protein (p.Gly113Arg). The frequency data for this variant in the population databases is considered unreliable, as metrics indicate poor data quality at this position in the gnomAD database. This variant has not been reported in the literature in individuals affected with CABP4-related conditions. ClinVar contains an entry for this variant (Variation ID: 1435896). Advanced modeling of protein sequence and biophysical properties (such as structural, functional, and spatial information, amino acid conservation, physicochemical variation, residue mobility, and thermodynamic stability) performed at Invitae indicates that this missense variant is not expected to disrupt CABP4 protein function. In summary, the available evidence is currently insufficient to determine the role of this variant in disease. Therefore, it has been classified as a Variant of Uncertain Significance.